The following is an entry in ClinVar:

NM_001807.6(CEL):c.1965G>C (p.Gly655=)

Gene: CEL (carboxyl ester lipase; plus strand). Cytogenetic location: 9q34.13.
Variant type: single nucleotide variant.
Coding change: c.1965G>C on transcript NM_001807.6 (MANE Select); coding-DNA position 1965, G replaced by C.
Protein change: p.Gly655=; no amino-acid change (glycine 655 retained).
Molecular consequence: synonymous variant.
Genome position (GRCh38, 1-based): chr9:133,071,467, G>C. VCF-style: chr9-133071467-G-C. GRCh37 (hg19) VCF-style: chr9-135946854-G-C.
Identifiers: ClinVar variation 2659680 (VCV002659680.26), dbSNP rs598333, ClinGen allele CA200925159.

ClinVar aggregate classification (germline): Likely benign. Review status: criteria provided, multiple submitters, no conflicts (2 of 4 stars). 3 submissions from 3 submitters: Likely benign (3). Last evaluated 2026-08-01.

Allele frequency attached by ClinVar (database versions not stated): gnomAD 0.00039; gnomAD exomes 0.00069.
gnomAD v4.1: 126 of 255,226 alleles (0.049%); highest among the groups gnomAD compares: Admixed American, 0.064%; 1 homozygote.

Submissions (3):

CeGaT Center for Human Genetics Tuebingen
Classification: Likely benign. Last evaluated: 2026-08-01. Review status: criteria provided, single submitter. Criteria: CeGaT Center For Human Genetics Tuebingen Variant Classification Criteria Version 2. Collection method: clinical testing. Allele origin: germline. Affected: yes. Observed: 14 variant alleles.
Comment: CEL: BP4, BP7

Laboratory of Genetics, Children's Clinical University Hospital Latvia
Classification: Likely benign. Last evaluated: 2025-02-16. Review status: criteria provided, single submitter. Criteria: ACMG Guidelines, 2015. Collection method: clinical testing. Allele origin: germline. Affected: yes.

Blueprint Genetics
Classification: Likely benign. Last evaluated: 2024-10-23. Review status: criteria provided, single submitter. Criteria: ACMG Guidelines, 2015. Collection method: clinical testing. Allele origin: germline.